The following is an entry in ClinVar:

ClinVar aggregate classification (germline): Uncertain significance (1 of 4 stars; one submission).

gnomAD v4.1: 38 of 1,613,832 alleles (0.0024%); highest among the groups gnomAD compares: East Asian, 0.0089%; no homozygotes.

Submission:

Labcorp Genetics (formerly Invitae), Labcorp
Classification: Uncertain significance. Last evaluated: 2025-08-14. Review status: criteria provided, single submitter. Criteria: Invitae Variant Classification Sherloc (09022015). Collection method: clinical testing. Allele origin: germline.
Comment: This sequence change replaces arginine, which is basic and polar, with tryptophan, which is neutral and slightly polar, at codon 66 of the TRPV6 protein (p.Arg66Trp). This variant is present in population databases (rs779037714, gnomAD 0.01%). This missense change has been observed in individual(s) with idiopathic chronic pancreatitis (PMID: 34923708). Algorithms developed to predict the effect of variants on gene product structure and function are not available or were not evaluated for this variant. Experimental studies have shown that this missense change does not substantially affect TRPV6 function (PMID: 34923708). In summary, the available evidence is currently insufficient to determine the role of this variant in disease. Therefore, it has been classified as a Variant of Uncertain Significance.

Literature cited by the submitters: PubMed 34923708.

NM_018646.6(TRPV6):c.196C>T (p.Arg66Trp)

Gene: TRPV6 (transient receptor potential cation channel subfamily V member 6; minus strand). Cytogenetic location: 7q34.
Variant type: single nucleotide variant.
Coding change: c.196C>T on transcript NM_018646.6 (MANE Select); coding-DNA position 196, C replaced by T.
Protein change: p.Arg66Trp; replaces arginine 66 with tryptophan.
Molecular consequence: missense variant.
Genome position (GRCh38, 1-based): chr7:142,885,441, G>A on the plus strand (C>T on the coding strand, the complement: TRPV6 is on the minus strand). VCF-style: chr7-142885441-G-A. GRCh37 (hg19) VCF-style: chr7-142583186-G-A.
Other names: short protein forms R66W.
Identifiers: ClinVar variation 4738865 (VCV004738865.1).